The following is an entry in ClinVar:

NM_032043.3(BRIP1):c.2426G>A (p.Gly809Asp)

Gene: BRIP1 (BRCA1 interacting DNA helicase 1; minus strand). Cytogenetic location: 17q23.2.
Variant type: single nucleotide variant.
Coding change: c.2426G>A on transcript NM_032043.3 (MANE Select); coding-DNA position 2426, G replaced by A.
Protein change: p.Gly809Asp; replaces glycine 809 with aspartic acid.
Molecular consequence: missense variant.
Genome position (GRCh38, 1-based): chr17:61,716,017, C>T on the plus strand (G>A on the coding strand, the complement: BRIP1 is on the minus strand). VCF-style: chr17-61716017-C-T. GRCh37 (hg19) VCF-style: chr17-59793378-C-T.
Other names: short protein forms G809D.
Identifiers: ClinVar variation 1917242 (VCV001917242.5), dbSNP rs1555580886, ClinGen allele CA400479660.

ClinVar aggregate classification (germline): Uncertain significance (1 of 4 stars; one submission).

Conditions:
Familial cancer of breast. Also called: BREAST CANCER, FAMILIAL; hereditary breast carcinoma; Hereditary breast cancer. Identifiers: Orphanet 227535, MedGen C0346153, MONDO:0016419, OMIM 114480. Disease mechanism: loss of function.
Fanconi anemia complementation group J. Also called: BRIP1-Related Fanconi Anemia. Identifiers: Orphanet 84, MedGen C1836860, MONDO:0012187, OMIM 609054.

Submission:

Labcorp Genetics (formerly Invitae), Labcorp
Classification: Uncertain significance for Familial cancer of breast; Fanconi anemia complementation group J. Last evaluated: 2022-08-23. Review status: criteria provided, single submitter. Criteria: Invitae Variant Classification Sherloc (09022015). Collection method: clinical testing. Allele origin: germline.
Comment: In summary, the available evidence is currently insufficient to determine the role of this variant in disease. Therefore, it has been classified as a Variant of Uncertain Significance. Algorithms developed to predict the effect of missense changes on protein structure and function are either unavailable or do not agree on the potential impact of this missense change (SIFT: "Deleterious"; PolyPhen-2: "Possibly Damaging"; Align-GVGD: "Class C15"). This variant has not been reported in the literature in individuals affected with BRIP1-related conditions. This variant is not present in population databases (gnomAD no frequency). This sequence change replaces glycine, which is neutral and non-polar, with aspartic acid, which is acidic and polar, at codon 809 of the BRIP1 protein (p.Gly809Asp).